The following is an entry in ClinVar:

NM_182931.3(KMT2E):c.2584T>G (p.Cys862Gly)

Gene: KMT2E (lysine methyltransferase 2E (inactive); plus strand). Cytogenetic location: 7q22.3.
Variant type: single nucleotide variant.
Coding change: c.2584T>G on transcript NM_182931.3 (MANE Select); coding-DNA position 2584, T replaced by G.
Protein change: p.Cys862Gly; replaces cysteine 862 with glycine.
Molecular consequence: missense variant.
Genome position (GRCh38, 1-based): chr7:105,105,991, T>G. VCF-style: chr7-105105991-T-G. GRCh37 (hg19) VCF-style: chr7-104746438-T-G.
Other names: c.2584T>G (NM_182931.2); c.2584T>G, p.Cys862Gly (NM_001410908.1, NM_018682.4); short protein forms C862G.
Identifiers: ClinVar variation 3645886 (VCV003645886.3).
Genomic context (GRCh38, chr7:105,105,991, plus strand): 5'-AGATCCAGAAGTCCTGCAGTCAATGGTGAAAATAAAAGTCCACTACTATTAAATGACAGC[T>G]GTTCCCTTCCAGGTAGAATTTTTTTTTCAGAGTTTTGGTTTGAGAAATGTGGCAGGGCAT-3'
Protein context (NP_891847.1, residues 852-872): NKSPLLLNDS[Cys862Gly]SLPDLTTPLK

ClinVar aggregate classification (germline): Uncertain significance. Review status: criteria provided, multiple submitters, no conflicts (2 of 4 stars). 2 submissions from 2 submitters: Uncertain significance (2). Last evaluated 2026-08-12.

Conditions:
Inborn genetic diseases. Identifiers: MedGen C0950123, MeSH D030342.

gnomAD v4.1: 1 of 1,605,432 alleles (0.000062%); highest among the groups gnomAD compares: Non-Finnish European, 0.000085%; no homozygotes.

Submissions (2):

Ambry Genetics
Classification: Uncertain significance for Inborn genetic diseases. Last evaluated: 2026-08-12. Review status: criteria provided, single submitter. Criteria: Ambry Variant Classification Scheme 2023. Collection method: clinical testing. Allele origin: germline.
Comment: The c.2584T>G (p.C862G) alteration is located in exon 19 (coding exon 17) of the KMT2E gene. This alteration results from a T to G substitution at nucleotide position 2584, causing the cysteine (C) at amino acid position 862 to be replaced by a glycine (G). Based on data from gnomAD, the G allele has an overall frequency of <0.001% (1/242764) total alleles studied. The highest observed frequency was 0.001% (1/111202) of European (non-Finnish) alleles. Based on insufficient or conflicting evidence, the clinical significance of this alteration remains unclear.

Labcorp Genetics (formerly Invitae), Labcorp
Classification: Uncertain significance. Last evaluated: 2024-03-15. Review status: criteria provided, single submitter. Criteria: Invitae Variant Classification Sherloc (09022015). Collection method: clinical testing. Allele origin: germline.
Comment: This sequence change replaces cysteine, which is neutral and slightly polar, with glycine, which is neutral and non-polar, at codon 862 of the KMT2E protein (p.Cys862Gly). This variant is present in population databases (rs765920013, gnomAD 0.0009%). This variant has not been reported in the literature in individuals affected with KMT2E-related conditions. An algorithm developed to predict the effect of missense changes on protein structure and function (PolyPhen-2) suggests that this variant is likely to be tolerated. In summary, the available evidence is currently insufficient to determine the role of this variant in disease. Therefore, it has been classified as a Variant of Uncertain Significance.